The following is an entry in ClinVar:

ClinVar aggregate classification (germline): Uncertain significance (1 of 4 stars; one submission).

gnomAD v4.1: 1 of 1,613,694 alleles (0.000062%); highest among the groups gnomAD compares: Non-Finnish European, 0.000085%; no homozygotes.

Submission:

Labcorp Genetics (formerly Invitae), Labcorp
Classification: Uncertain significance. Last evaluated: 2022-04-24. Review status: criteria provided, single submitter. Criteria: Invitae Variant Classification Sherloc (09022015). Collection method: clinical testing. Allele origin: germline.
Comment: This sequence change affects codon 45 of the LOXL3 mRNA. It is a 'silent' change, meaning that it does not change the encoded amino acid sequence of the LOXL3 protein. This variant is not present in population databases (gnomAD no frequency). This variant has not been reported in the literature in individuals affected with LOXL3-related conditions. Algorithms developed to predict the effect of sequence changes on RNA splicing suggest that this variant may create or strengthen a splice site. In summary, the available evidence is currently insufficient to determine the role of this variant in disease. Therefore, it has been classified as a Variant of Uncertain Significance.

NM_032603.5(LOXL3):c.133C>A (p.Arg45=)

Genes: DOK1 (docking protein 1; plus strand), LOXL3 (lysyl oxidase like 3; minus strand). Cytogenetic location: 2p13.1.
Variant type: single nucleotide variant.
Coding change: c.133C>A on transcript NM_032603.5 (MANE Select); coding-DNA position 133, C replaced by A.
Protein change: p.Arg45=; no amino-acid change (arginine 45 retained).
Molecular consequence: synonymous variant. On other transcripts: intron variant (1).
Genome position (GRCh38, 1-based): chr2:74,552,502, G>T on the plus strand (C>A on the coding strand, the complement: LOXL3 is on the minus strand). VCF-style: chr2-74552502-G-T. GRCh37 (hg19) VCF-style: chr2-74779629-G-T.
Other names: c.133C>A, p.Arg45= (NM_001289164.3); c.-357-2652G>T (NM_001197260.2).
Identifiers: ClinVar variation 1941789 (VCV001941789.2), dbSNP rs1429584079, ClinGen allele CA427040458.